The following is an entry in ClinVar:

ClinVar aggregate classification (germline): Uncertain significance (1 of 4 stars; one submission).

Allele frequency attached by ClinVar (database versions not stated): gnomAD exomes 0.00002; ExAC 0.00003.
gnomAD v4.1: 6 of 1,597,418 alleles (0.00038%); highest among the groups gnomAD compares: Admixed American, 0.0067%; no homozygotes.

Submission:

Labcorp Genetics (formerly Invitae), Labcorp
Classification: Uncertain significance. Last evaluated: 2022-10-03. Review status: criteria provided, single submitter. Criteria: Invitae Variant Classification Sherloc (09022015). Collection method: clinical testing. Allele origin: germline.
Comment: ClinVar contains an entry for this variant (Variation ID: 1044936). In summary, the available evidence is currently insufficient to determine the role of this variant in disease. Therefore, it has been classified as a Variant of Uncertain Significance. Algorithms developed to predict the effect of sequence changes on RNA splicing suggest that this variant may create or strengthen a splice site. This variant has not been reported in the literature in individuals affected with ADAM9-related conditions. This variant is present in population databases (rs772194829, gnomAD 0.009%). This sequence change affects codon 32 of the ADAM9 mRNA. It is a 'silent' change, meaning that it does not change the encoded amino acid sequence of the ADAM9 protein. It affects a nucleotide within the consensus splice site.

NM_003816.3(ADAM9):c.96A>G (p.Pro32=)

Genes: ADAM9 (ADAM metallopeptidase domain 9; plus strand), LOC130000261 (ATAC-STARR-seq lymphoblastoid active region 27275; plus strand). Cytogenetic location: 8p11.22.
Variant type: single nucleotide variant.
Coding change: c.96A>G on transcript NM_003816.3 (MANE Select); coding-DNA position 96, A replaced by G.
Protein change: p.Pro32=; no amino-acid change (proline 32 retained).
Molecular consequence: synonymous variant. On other transcripts: non-coding transcript variant (3).
Genome position (GRCh38, 1-based): chr8:38,997,159, A>G. VCF-style: chr8-38997159-A-G. GRCh37 (hg19) VCF-style: chr8-38854678-A-G.
Identifiers: ClinVar variation 1044936 (VCV001044936.4), dbSNP rs772194829, ClinGen allele CA4721193.